The following is an entry in ClinVar:

NM_005359.6(SMAD4):c.1431A>T (p.Gly477=)

Gene: SMAD4 (SMAD family member 4; plus strand). Cytogenetic location: 18q21.2.
Variant type: single nucleotide variant.
Coding change: c.1431A>T on transcript NM_005359.6 (MANE Select); coding-DNA position 1431, A replaced by T.
Protein change: p.Gly477=; no amino-acid change (glycine 477 retained).
Molecular consequence: synonymous variant. On other transcripts: non-coding transcript variant (1).
Genome position (GRCh38, 1-based): chr18:51,076,760, A>T. VCF-style: chr18-51076760-A-T. GRCh37 (hg19) VCF-style: chr18-48603130-A-T.
Other names: c.1431A>T, p.Gly477= (NM_001407041.1, NM_001407042.1).
Identifiers: ClinVar variation 3798807 (VCV003798807.2).

ClinVar aggregate classification (germline): Benign/Likely benign. Review status: criteria provided, multiple submitters, no conflicts (2 of 4 stars). 2 submissions from 2 submitters: Benign (1); Likely benign (1). Last evaluated 2025-03-24.

Conditions:
Juvenile polyposis/hereditary hemorrhagic telangiectasia syndrome (JPHT). Also called: JP/HHT SYNDROME; JUVENILE POLYPOSIS WITH HEREDITARY HEMORRHAGIC TELANGIECTASIA; POLYPOSIS, GENERALIZED JUVENILE, WITH PULMONARY ARTERIOVENOUS MALFORMATION; TELANGIECTASIA, HEREDITARY HEMORRHAGIC, WITH JUVENILE POLYPOSIS COLI; Juvenile Polyposis Syndrome / Hereditary Hemorrhagic Telangiectasia (JPS/HHT). Identifiers: Orphanet 2929, MedGen C1832942, MONDO:0008278, OMIM 175050.
Familial thoracic aortic aneurysm and aortic dissection (TAAD). Also called: Thoracic aortic aneurysms and dissections. Identifiers: Orphanet 91387, MedGen C4707243, MONDO:0019625.
Hereditary cancer-predisposing syndrome. Also called: Neoplastic Syndromes, Hereditary; Tumor predisposition; Hereditary neoplastic syndrome; Hereditary Cancer Syndrome. Identifiers: Orphanet 140162, MedGen C0027672, MeSH D009386, MONDO:0015356.

Submissions (2):

Myriad Genetics, Inc.
Classification: Benign for Juvenile polyposis/hereditary hemorrhagic telangiectasia syndrome. Last evaluated: 2025-03-24. Review status: criteria provided, single submitter. Criteria: Myriad Autosomal Dominant, Autosomal Recessive and X-Linked Classification Criteria (2023). Collection method: clinical testing. Allele origin: unknown.
Comment: This variant is considered benign. This variant is a silent/synonymous amino acid change and it is not expected to impact splicing.

Ambry Genetics
Classification: Likely benign for Hereditary cancer-predisposing syndrome; Familial thoracic aortic aneurysm and aortic dissection. Last evaluated: 2024-12-24. Review status: criteria provided, single submitter. Criteria: Ambry Variant Classification Scheme 2023. Collection method: clinical testing. Allele origin: germline.